The following is an entry in ClinVar:

NM_005257.6(GATA6):c.895_918dup (p.Arg306_Glu307insSerLeuAlaAlaMetGlyGlyArg)

Gene: GATA6 (GATA binding protein 6; plus strand). Cytogenetic location: 18q11.2.
Variant type: Duplication.
Coding change: c.895_918dup on transcript NM_005257.6 (MANE Select); coding-DNA positions 895 to 918, 24 bases duplicated (AGCCTGGCGGCCATGGGCGGCCGC).
Protein change: p.Arg306_Glu307insSerLeuAlaAlaMetGlyGlyArg.
Molecular consequence: inframe insertion.
Genome position (GRCh38, 1-based): chr18:22,172,039-22,172,062, AGCCTGGCGGCCATGGGCGGCCGC duplicated. VCF-style (leftmost placement, unchanged base first): chr18-22172038-T-TAGCCTGGCGGCCATGGGCGGCCGC. GRCh37 (hg19) VCF-style: chr18-19751999-T-TAGCCTGGCGGCCATGGGCGGCCGC.
Identifiers: ClinVar variation 3343651 (VCV003343651.1).

ClinVar aggregate classification (germline): Uncertain significance (1 of 4 stars; one submission).

Submission:

GeneDx
Classification: Uncertain significance. Last evaluated: 2023-05-22. Review status: criteria provided, single submitter. Criteria: GeneDx Variant Classification Process June 2021. Collection method: clinical testing. Allele origin: germline. Affected: yes.
Comment: In-frame insertion of 8 amino acids in a non-repeat region; Not observed at significant frequency in large population cohorts (gnomAD); Has not been previously published as pathogenic or benign to our knowledge